The following is an entry in ClinVar:

ClinVar aggregate classification (germline): Pathogenic/Likely pathogenic. Review status: criteria provided, multiple submitters, no conflicts (2 of 4 stars). 2 submissions from 2 submitters: Pathogenic (1); Likely pathogenic (1). Last evaluated 2025-07-21.

Conditions:
Pigmentary pallidal degeneration (NBIA1). Also called: Neurodegeneration with brain iron accumulation 1; PKAN NEUROAXONAL DYSTROPHY, JUVENILE-ONSET; Neuroaxonal dystrophy, late infantile; Hallervorden-Spatz disease; HARP SYNDROME; Pantothenate Kinase-Associated Neurodegeneration. Identifiers: Orphanet 157850, MedGen C0018523, MONDO:0009319, OMIM 234200.

gnomAD v4.1: 12 of 1,613,954 alleles (0.00074%); highest among the groups gnomAD compares: Non-Finnish European, 0.001%; no homozygotes.

Submissions (2):

Labcorp Genetics (formerly Invitae), Labcorp
Classification: Pathogenic for Pigmentary pallidal degeneration. Last evaluated: 2025-07-21. Review status: criteria provided, single submitter. Criteria: Invitae Variant Classification Sherloc (09022015). Collection method: clinical testing. Allele origin: germline.
Comment: This sequence change replaces proline, which is neutral and non-polar, with arginine, which is basic and polar, at codon 464 of the PANK2 protein (p.Pro464Arg). This variant is not present in population databases (gnomAD no frequency). This missense change has been observed in individual(s) with pantothenate kinase-associated neurodegeneration (PMID: 16023068). In at least one individual the data is consistent with being in trans (on the opposite chromosome) from a pathogenic variant. It has also been observed to segregate with disease in related individuals. This variant is also known as 1061C>G. ClinVar contains an entry for this variant (Variation ID: 2663128). Invitae Evidence Modeling of protein sequence and biophysical properties (such as structural, functional, and spatial information, amino acid conservation, physicochemical variation, residue mobility, and thermodynamic stability) indicates that this missense variant is expected to disrupt PANK2 protein function with a positive predictive value of 95%. For these reasons, this variant has been classified as Pathogenic.

GeneDx
Classification: Likely pathogenic. Last evaluated: 2023-05-10. Review status: criteria provided, single submitter. Criteria: GeneDx Variant Classification Process June 2021. Collection method: clinical testing. Allele origin: germline. Affected: yes.
Comment: Observed with a pathogenic variant in unrelated patients with features of PANK2-related neurodegeneration referred for genetic testing at GeneDx and in published literature, but it is not known whether the variants occurred on the same (in cis) or on different (in trans) chromosomes in some cases (Egan et al., 2005); Not observed at significant frequency in large population cohorts (gnomAD); In silico analysis supports that this missense variant has a deleterious effect on protein structure/function; This variant is associated with the following publications: (PMID: 31540697, 16023068)

Literature cited by the submitters: PubMed 16023068 (cited by Labcorp Genetics (formerly Invitae), Labcorp).

NM_001386393.1(PANK2):c.1061C>G (p.Pro354Arg)

Gene: PANK2 (pantothenate kinase 2; plus strand). Cytogenetic location: 20p13.
Variant type: single nucleotide variant.
Coding change: c.1061C>G on transcript NM_001386393.1 (MANE Select); coding-DNA position 1061, C replaced by G.
Protein change: p.Pro354Arg; replaces proline 354 with arginine.
Molecular consequence: missense variant. On other transcripts: non-coding transcript variant (1).
Genome position (GRCh38, 1-based): chr20:3,912,613, C>G. VCF-style: chr20-3912613-C-G. GRCh37 (hg19) VCF-style: chr20-3893260-C-G.
Other names: c.518C>G, p.Pro173Arg (NM_001324191.2, NM_024960.6, NM_153640.4); c.83C>G, p.Pro28Arg (NM_001324193.2); c.1391C>G, p.Pro464Arg (NM_153638.4); short protein forms P173R, P28R, P354R, P464R.
Identifiers: ClinVar variation 2663128 (VCV002663128.4), dbSNP rs2515506542, ClinGen allele CA408117961.